The following is an entry in ClinVar:

NM_033380.3(COL4A5):c.4334G>T (p.Gly1445Val)

Gene: COL4A5 (collagen type IV alpha 5 chain; plus strand). Cytogenetic location: Xq22.3.
Variant type: single nucleotide variant.
Coding change: c.4334G>T on transcript NM_033380.3 (MANE Select); coding-DNA position 4334, G replaced by T.
Protein change: p.Gly1445Val; replaces glycine 1445 with valine.
Molecular consequence: missense variant.
Genome position (GRCh38, 1-based): chrX:108,687,500, G>T. VCF-style: chrX-108687500-G-T. GRCh37 (hg19) VCF-style: chrX-107930730-G-T.
Other names: c.4316G>T, p.Gly1439Val (NM_000495.5); short protein forms G1439V, G1445V.
Identifiers: ClinVar variation 3636331 (VCV003636331.3).
Genomic context (GRCh38, chrX:108,687,500, plus strand): 5'-GAGCTTACTTAATCTTGTATACTGATTATTTCGTGGAAATAGGTACCCGTGGTTTGGATG[G>T]TCCCCCTGGTCCAGATGGATTGCAAGGTCCCCCAGGTCCCCCTGGAACCTCCTCTGTTGC-3'
Protein context (NP_203699.1, residues 1435-1455): PGQPGTRGLD[Gly1445Val]PPGPDGLQGP

ClinVar aggregate classification (germline): Conflicting classifications of pathogenicity. Review status: criteria provided, conflicting classifications (1 of 4 stars). 2 submissions from 2 submitters: Likely pathogenic (1); Uncertain significance (1). Last evaluated 2024-07-29.

Conditions:
X-linked Alport syndrome (ATS1). Also called: COL4A5-Related Nephropathy; NEPHROPATHY AND DEAFNESS, X-LINKED. Identifiers: Orphanet 63, Orphanet 88917, MedGen C4746986, MONDO:0010520, OMIM 301050.

Submissions (2):

Labcorp Genetics (formerly Invitae), Labcorp
Classification: Likely pathogenic. Last evaluated: 2024-07-29. Review status: criteria provided, single submitter. Criteria: Invitae Variant Classification Sherloc (09022015). Collection method: clinical testing. Allele origin: germline.
Comment: This sequence change replaces glycine, which is neutral and non-polar, with valine, which is neutral and non-polar, at codon 1439 of the COL4A5 protein (p.Gly1439Val). This variant is not present in population databases (gnomAD no frequency). This missense change has been observed in individual(s) with clinical features of Alport syndrome (Invitae). Advanced modeling of protein sequence and biophysical properties (such as structural, functional, and spatial information, amino acid conservation, physicochemical variation, residue mobility, and thermodynamic stability) performed at Invitae indicates that this missense variant is expected to disrupt COL4A5 protein function with a positive predictive value of 95%. This variant disrupts the triple helix domain of COL4A5. Glycine residues within the Gly-Xaa-Yaa repeats of the triple helix domain are required for the structure and stability of fibrillar collagens (PMID: 7695699, 8218237, 19344236). In COL4A5, missense variants at these glycine residues are significantly enriched in individuals with disease (PMID: 23720012, 27627812) compared to the general population (ExAC). This variant disrupts the p.Gly1439 amino acid residue in COL4A5. Other variant(s) that disrupt this residue have been observed in individuals with COL4A5-related conditions (PMID: 34013125), which suggests that this may be a clinically significant amino acid residue. In summary, the currently available evidence indicates that the variant is pathogenic, but additional data are needed to prove that conclusively. Therefore, this variant has been classified as Likely Pathogenic.

Department of Nephrology, Rheumatology and Immunology, Shanghai Children's Hospital
Classification: Uncertain significance for X-linked Alport syndrome. Last evaluated: 2022-01-29. Review status: criteria provided, single submitter. Criteria: ACMG Guidelines, 2015. Collection method: clinical testing. Allele origin: de novo. Affected: yes. Observed: 1 variant allele.
Comment: The NM_000495.5(COL4A5):c.4316G>T (p.Gly1439Val) is a missense variant in COL4A5. This variant is reported to have an extremely low frequency in the gnomAD v3.1.2 (GRCh38) population database (PM2). While the variant is reported as a de novo occurrence, formal parental identity testing (e.g., via STR or SNP analysis) was not performed to satisfy the stringent requirements for PS2 or PM6 criteria (internal data). Computational tools, including SIFT and PolyPhen, predict this variant to have a deleterious effect on the protein product (PP3). In summary, this variant meets criteria to be classified as Uncertain Significance for Alport syndrome based on the ACMG/AMP 2015 criteria applied: PM2, PP3, PP4.

Literature cited by the submitters: PubMed 7695699 (cited by Labcorp Genetics (formerly Invitae), Labcorp); PubMed 8218237 (cited by Labcorp Genetics (formerly Invitae), Labcorp); PubMed 19344236 (cited by Labcorp Genetics (formerly Invitae), Labcorp); PubMed 23720012 (cited by Labcorp Genetics (formerly Invitae), Labcorp); PubMed 27627812 (cited by Labcorp Genetics (formerly Invitae), Labcorp); PubMed 34013125 (cited by Labcorp Genetics (formerly Invitae), Labcorp).